The following is an entry in ClinVar:

ClinVar aggregate classification (germline): Uncertain significance. Review status: criteria provided, multiple submitters, no conflicts (2 of 4 stars). 2 submissions from 2 submitters: Uncertain significance (2). Last evaluated 2025-10-21.

Conditions:
Inborn genetic diseases. Identifiers: MedGen C0950123, MeSH D030342.

gnomAD v4.1: 4 of 1,614,146 alleles (0.00025%); highest among the groups gnomAD compares: East Asian, 0.0022%; no homozygotes.

Submissions (2):

Labcorp Genetics (formerly Invitae), Labcorp
Classification: Uncertain significance. Last evaluated: 2025-10-21. Review status: criteria provided, single submitter. Criteria: Invitae Variant Classification Sherloc (09022015). Collection method: clinical testing. Allele origin: germline.
Comment: This sequence change replaces serine, which is neutral and polar, with leucine, which is neutral and non-polar, at codon 924 of the COL4A2 protein (p.Ser924Leu). This variant is present in population databases (no rsID available, gnomAD 0.006%). This variant has not been reported in the literature in individuals affected with COL4A2-related conditions. ClinVar contains an entry for this variant (Variation ID: 3696931). Invitae Evidence Modeling of protein sequence and biophysical properties (such as structural, functional, and spatial information, amino acid conservation, physicochemical variation, residue mobility, and thermodynamic stability) indicates that this missense variant is not expected to disrupt COL4A2 protein function with a negative predictive value of 95%. In summary, the available evidence is currently insufficient to determine the role of this variant in disease. Therefore, it has been classified as a Variant of Uncertain Significance.

Ambry Genetics
Classification: Uncertain significance for Inborn genetic diseases. Last evaluated: 2025-04-14. Review status: criteria provided, single submitter. Criteria: Ambry Variant Classification Scheme 2023. Collection method: clinical testing. Allele origin: germline.

NM_001846.4(COL4A2):c.2771C>T (p.Ser924Leu)

Gene: COL4A2 (collagen type IV alpha 2 chain; plus strand). Cytogenetic location: 13q34.
Variant type: single nucleotide variant.
Coding change: c.2771C>T on transcript NM_001846.4 (MANE Select); coding-DNA position 2771, C replaced by T.
Protein change: p.Ser924Leu; replaces serine 924 with leucine.
Molecular consequence: missense variant.
Genome position (GRCh38, 1-based): chr13:110,482,528, C>T. VCF-style: chr13-110482528-C-T. GRCh37 (hg19) VCF-style: chr13-111134875-C-T.
Other names: c.2771C>T (NM_001846.2); short protein forms S924L.
Identifiers: ClinVar variation 3696931 (VCV003696931.3).
Genomic context (GRCh38, chr13:110,482,528, plus strand): 5'-TGCATTTTATTCATGTCTAACCCAGCACTTTTCTCTTTTCCTCTGAAGGAGATAGAGGCT[C>T]ACCTGGGATGGATGGTTTCCAAGGCATGCCTGGACTCAAAGGGAGACCCGGGTTTCCAGG-3'
Protein context (NP_001837.2, residues 914-934): GTPGLKGDRG[Ser924Leu]PGMDGFQGMP